The following is an entry in ClinVar:

NM_001018005.2(TPM1):c.815A>G (p.Glu272Gly)

Gene: TPM1 (tropomyosin 1; plus strand). Cytogenetic location: 15q22.2.
Variant type: single nucleotide variant.
Coding change: c.815A>G on transcript NM_001018005.2 (MANE Select); coding-DNA position 815, A replaced by G.
Protein change: p.Glu272Gly; replaces glutamic acid 272 with glycine.
Molecular consequence: missense variant. On other transcripts: intron variant (12).
Genome position (GRCh38, 1-based): chr15:63,064,106, A>G. VCF-style: chr15-63064106-A-G. GRCh37 (hg19) VCF-style: chr15-63356305-A-G.
Other names: c.815A>G, p.Glu272Gly (NM_000366.6, NM_001301244.2, NM_001365779.1); c.707A>G, p.Glu236Gly (NM_001330346.2, NM_001365781.2, NM_001365782.1); c.898+1461A>G (NM_001365778.1); c.772+1461A>G (NM_001018020.2, NM_001018007.2, NM_001018006.2 and 3 more transcripts); c.664+1461A>G (NM_001330351.2, NM_001330344.2, NM_001018008.2 and 2 more transcripts); short protein forms E272G, E236G.
Identifiers: ClinVar variation 181688 (VCV000181688.2), dbSNP rs727503519, ClinGen allele CA018486.
Genomic context (GRCh38, chr15:63,064,106, plus strand): 5'-TCCACTTCCTGGTCATAGACGAGCTGTACGCTCAGAAACTGAAGTACAAAGCCATCAGCG[A>G]GGAGCTGGACCACGCTCTCAACGATATGACTTCCATGTAAACGTTCATCCACTCTGCCTG-3'
Protein context (NP_001018005.1, residues 262-282): AQKLKYKAIS[Glu272Gly]ELDHALNDMT

ClinVar aggregate classification (germline): Uncertain significance (1 of 4 stars; one submission).

Submission:

GeneDx
Classification: Uncertain significance. Last evaluated: 2017-04-25. Review status: criteria provided, single submitter. Criteria: GeneDx Variant Classification (06012015). Collection method: clinical testing. Allele origin: germline. Affected: yes.
Comment: A variant of uncertain significance has been identified in the TPM1 gene. The E272G variant has not been published as pathogenic or been reported as benign to our knowledge. The E272G variant is not observed in large population cohorts (Lek et al., 2016; 1000 Genomes Consortium et al., 2015; Exome Variant Server). The E272G variant is a non-conservative amino acid substitution, which is likely to impact secondary protein structure as these residues differ in polarity, charge, size and/or other properties. Additionally, this substitution occurs at a position that is conserved across species. Furthermore, in silico analysis predicts this variant is probably damaging to the protein structure/function. Nevertheless, no missense variants in nearby residues have been reported in the Human Gene Mutation Database in association with cardiomyopathy (Stenson et al., 2014).